The following is an entry in ClinVar:

ClinVar aggregate classification (germline): Uncertain significance. Review status: criteria provided, multiple submitters, no conflicts (2 of 4 stars). 2 submissions from 2 submitters: Uncertain significance (2). Last evaluated 2023-11-27.

Conditions:
Epidermolysis bullosa simplex 5B, with muscular dystrophy (EBS5B). Also called: Epidermolysis bullosa simplex with muscular dystrophy; EPIDERMOLYSIS BULLOSA SIMPLEX AND LIMB-GIRDLE MUSCULAR DYSTROPHY. Identifiers: Orphanet 257, MedGen C2931072, MONDO:0009181, OMIM 226670.
Epidermolysis bullosa simplex 5C, with pyloric atresia (EBS5C). Also called: PLEC1-Related Epidermolysis Bullosa with Pyloric Atresia; PLEC-Related Epidermolysis Bullosa with Pyloric Atresia; Epidermolysis bullosa simplex with pyloric atresia. Identifiers: Orphanet 158684, MedGen C2677349, MONDO:0012807, OMIM 612138.
Autosomal recessive limb-girdle muscular dystrophy type 2Q (LGMDR17). Also called: MUSCULAR DYSTROPHY, LIMB-GIRDLE, AUTOSOMAL RECESSIVE 17. Identifiers: Orphanet 254361, MedGen C3150989, MONDO:0013390, OMIM 613723.
Epidermolysis bullosa simplex, Ogna type (EBS5A). Also called: Pidermolysis bullosa simplex 5A, Ogna type; EPIDERMOLYSIS BULLOSA SIMPLEX 5A, OGNA TYPE. Identifiers: Orphanet 79401, MedGen C0432317, MONDO:0007555, OMIM 131950.
Epidermolysis bullosa simplex with nail dystrophy (EBS5D). Identifiers: MedGen C4225309, MONDO:0014661, OMIM 616487.
Inborn genetic diseases. Identifiers: MedGen C0950123, MeSH D030342.

Allele frequency attached by ClinVar (database versions not stated): ExAC 0.00001; gnomAD 0.00001; gnomAD exomes 0.00001; TOPMed 0.00002.
gnomAD v4.1: 23 of 1,613,386 alleles (0.0014%); highest among the groups gnomAD compares: Middle Eastern, 0.016%; no homozygotes.

Submissions (2):

Labcorp Genetics (formerly Invitae), Labcorp
Classification: Uncertain significance for Autosomal recessive limb-girdle muscular dystrophy type 2Q; Epidermolysis bullosa simplex, Ogna type; Epidermolysis bullosa simplex with nail dystrophy; Epidermolysis bullosa simplex 5C, with pyloric atresia; Epidermolysis bullosa simplex 5B, with muscular dystrophy. Last evaluated: 2023-11-27. Review status: criteria provided, single submitter. Criteria: Invitae Variant Classification Sherloc (09022015). Collection method: clinical testing. Allele origin: germline.
Comment: This sequence change replaces aspartic acid, which is acidic and polar, with asparagine, which is neutral and polar, at codon 3503 of the PLEC protein (p.Asp3503Asn). This variant is present in population databases (rs782148173, gnomAD 0.01%). This variant has not been reported in the literature in individuals affected with PLEC-related conditions. ClinVar contains an entry for this variant (Variation ID: 1395199). Advanced modeling of protein sequence and biophysical properties (such as structural, functional, and spatial information, amino acid conservation, physicochemical variation, residue mobility, and thermodynamic stability) has been performed at Invitae for this missense variant, however the output from this modeling did not meet the statistical confidence thresholds required to predict the impact of this variant on PLEC protein function. In summary, the available evidence is currently insufficient to determine the role of this variant in disease. Therefore, it has been classified as a Variant of Uncertain Significance.

Ambry Genetics
Classification: Uncertain significance for Inborn genetic diseases. Last evaluated: 2022-07-06. Review status: criteria provided, single submitter. Criteria: Ambry Variant Classification Scheme 2023. Collection method: clinical testing. Allele origin: germline.

NM_201384.3(PLEC):c.10426G>A (p.Asp3476Asn)

Gene: PLEC (plectin; minus strand). Cytogenetic location: 8q24.3.
Variant type: single nucleotide variant.
Coding change: c.10426G>A on transcript NM_201384.3 (MANE Select); coding-DNA position 10426, G replaced by A.
Protein change: p.Asp3476Asn; replaces aspartic acid 3476 with asparagine.
Molecular consequence: missense variant.
Genome position (GRCh38, 1-based): chr8:143,919,395, C>T on the plus strand (G>A on the coding strand, the complement: PLEC is on the minus strand). VCF-style: chr8-143919395-C-T. GRCh37 (hg19) VCF-style: chr8-144993563-C-T.
Other names: c.10507G>A, p.Asp3503Asn (NM_000445.5); c.10384G>A, p.Asp3462Asn (NM_201378.4); c.10360G>A, p.Asp3454Asn (NM_201379.3); c.10837G>A, p.Asp3613Asn (NM_201380.4); c.10330G>A, p.Asp3444Asn (NM_201381.3); c.10426G>A, p.Asp3476Asn (NM_201382.4); c.10438G>A, p.Asp3480Asn (NM_201383.3); c.10507G>A (NM_000445.3); short protein forms D3444N, D3476N, D3613N, D3480N, D3454N, D3462N, D3503N.
Identifiers: ClinVar variation 1395199 (VCV001395199.7), dbSNP rs782148173, ClinGen allele CA4924658.